The following is an entry in ClinVar:

NM_001845.6(COL4A1):c.144+6T>G

Gene: COL4A1 (collagen type IV alpha 1 chain; minus strand). Cytogenetic location: 13q34.
Variant type: single nucleotide variant.
Coding change: c.144+6T>G on transcript NM_001845.6 (MANE Select); 6 bases into the intron after coding-DNA position 144, T replaced by G.
Molecular consequence: intron variant.
Genome position (GRCh38, 1-based): chr13:110,242,669, A>C on the plus strand (T>G on the coding strand, the complement: COL4A1 is on the minus strand). VCF-style: chr13-110242669-A-C. GRCh37 (hg19) VCF-style: chr13-110895016-A-C.
Other names: c.144+6T>G (NM_001303110.2).
Identifiers: ClinVar variation 1447913 (VCV001447913.6), dbSNP rs1470875848, ClinGen allele CA612615541.

ClinVar aggregate classification (germline): Uncertain significance (1 of 4 stars; one submission).

Allele frequency attached by ClinVar (database versions not stated): gnomAD 0.00001.
gnomAD v4.1: 2 of 1,614,012 alleles (0.00012%); no homozygotes.

Submission:

Labcorp Genetics (formerly Invitae), Labcorp
Classification: Uncertain significance. Last evaluated: 2021-09-28. Review status: criteria provided, single submitter. Criteria: Invitae Variant Classification Sherloc (09022015). Collection method: clinical testing. Allele origin: germline.
Comment: In summary, the available evidence is currently insufficient to determine the role of this variant in disease. Therefore, it has been classified as a Variant of Uncertain Significance. Variants that disrupt the consensus splice site are a relatively common cause of aberrant splicing (PMID: 17576681, 9536098). Algorithms developed to predict the effect of sequence changes on RNA splicing suggest that this variant may create or strengthen a splice site. This variant has not been reported in the literature in individuals affected with COL4A1-related conditions. This variant is not present in population databases (ExAC no frequency). This sequence change falls in intron 2 of the COL4A1 gene. It does not directly change the encoded amino acid sequence of the COL4A1 protein. It affects a nucleotide within the consensus splice site of the intron.

Literature cited by the submitters: PubMed 17576681; PubMed 9536098.